The following is an entry in ClinVar:

ClinVar aggregate classification (germline): Uncertain significance (1 of 4 stars; one submission).

Conditions:
Leigh syndrome (NULS). Also called: Leigh's necrotizing encephalopathy; Leigh's disease; Leigh Syndrome (mtDNA deletion); Leigh Disease; Subacute necrotizing encephalopathy; Necrotizing encephalopathy infantile subacute of Leigh. Identifiers: Orphanet 506, MedGen C2931891, MONDO:0009723, OMIM 256000.

Submission:

Wong Mito Lab, Molecular and Human Genetics, Baylor College of Medicine
Classification: Uncertain significance for Leigh syndrome. Last evaluated: 2019-10-17. Review status: criteria provided, single submitter. Criteria: Modified ACMG Guidelines (Unpublished). Collection method: clinical testing. Allele origin: germline.
Comment: The NC_012920.1:m.12383T>C (YP_003024036.1:p.Ile16Thr) variant in MTND5 gene is interpretated to be a Uncertain Significance variant based on the modified ACMG guidelines (unpublished). This variant meets the following evidence codes: PP7

NC_012920.1(MT-ND5):m.12383T>C

Gene: MT-ND5 (mitochondrially encoded NADH dehydrogenase 5; plus strand).
Variant type: single nucleotide variant.
Genome position: chrM-12383-T-C.
Identifiers: ClinVar variation 693430 (VCV000693430.1), dbSNP rs1603223708, ClinGen allele CA414812905.